The following is an entry in ClinVar:

NM_017636.4(TRPM4):c.749G>A (p.Arg250His)

Gene: TRPM4 (transient receptor potential cation channel subfamily M member 4; plus strand). Cytogenetic location: 19q13.33.
Variant type: single nucleotide variant.
Coding change: c.749G>A on transcript NM_017636.4 (MANE Select); coding-DNA position 749, G replaced by A.
Protein change: p.Arg250His; replaces arginine 250 with histidine.
Molecular consequence: missense variant. On other transcripts: 5 prime UTR variant (2).
Genome position (GRCh38, 1-based): chr19:49,168,689, G>A. VCF-style: chr19-49168689-G-A. GRCh37 (hg19) VCF-style: chr19-49671946-G-A.
Other names: c.404G>A, p.Arg135His (NM_001321281.2); c.-805G>A (NM_001321282.2); c.227G>A, p.Arg76His (NM_001321283.2); c.-101G>A (NM_001321285.2); c.749G>A, p.Arg250His (NM_001195227.2); short protein forms R135H, R250H, R76H.
Identifiers: ClinVar variation 1321648 (VCV001321648.10), dbSNP rs778711356, ClinGen allele CA9568931.

ClinVar aggregate classification (germline): Uncertain significance. Review status: criteria provided, multiple submitters, no conflicts (2 of 4 stars). 4 submissions from 4 submitters: Uncertain significance (4). Last evaluated 2026-01-26.

Conditions:
Progressive familial heart block type IB (PFHB1B). Identifiers: Orphanet 871, MedGen C1970298, MONDO:0011474, OMIM 604559.
Cardiovascular phenotype. Identifiers: MedGen CN230736.
Erythrokeratodermia variabilis et progressiva 6. Identifiers: MedGen C5193144, MONDO:0032801, OMIM 618531.

Allele frequency attached by ClinVar (database versions not stated): TOPMed 0.00001; gnomAD 0.00002; ExAC 0.00010.
gnomAD v4.1: 48 of 1,609,536 alleles (0.003%); highest among the groups gnomAD compares: Middle Eastern, 0.016%; no homozygotes.

Submissions (4):

Labcorp Genetics (formerly Invitae), Labcorp
Classification: Uncertain significance for Progressive familial heart block type IB. Last evaluated: 2026-01-26. Review status: criteria provided, single submitter. Criteria: Invitae Variant Classification Sherloc (09022015). Collection method: clinical testing. Allele origin: germline.
Comment: This sequence change replaces arginine, which is basic and polar, with histidine, which is basic and polar, at codon 250 of the TRPM4 protein (p.Arg250His). This variant is present in population databases (rs778711356, gnomAD 0.02%). This variant has not been reported in the literature in individuals affected with TRPM4-related conditions. ClinVar contains an entry for this variant (Variation ID: 1321648). An algorithm developed to predict the effect of missense changes on protein structure and function (PolyPhen-2) suggests that this variant is likely to be disruptive. In summary, the available evidence is currently insufficient to determine the role of this variant in disease. Therefore, it has been classified as a Variant of Uncertain Significance.

Ambry Genetics
Classification: Uncertain significance for Cardiovascular phenotype. Last evaluated: 2025-06-28. Review status: criteria provided, single submitter. Criteria: Ambry Variant Classification Scheme 2023. Collection method: clinical testing. Allele origin: germline.
Comment: The p.R250H variant (also known as c.749G>A), located in coding exon 6 of the TRPM4 gene, results from a G to A substitution at nucleotide position 749. The arginine at codon 250 is replaced by histidine, an amino acid with highly similar properties. This variant co-occurred with variants in other cardiac-related genes in a stillbirth case (Sahlin E et al. PLoS One, 2019 Jan;14:e0210017). This amino acid position is well conserved in available vertebrate species. In addition, this alteration is predicted to be deleterious by in silico analysis. Since supporting evidence is limited at this time, the clinical significance of this alteration remains unclear.

GeneDx
Classification: Uncertain significance. Last evaluated: 2021-11-12. Review status: criteria provided, single submitter. Criteria: GeneDx Variant Classification Process June 2021. Collection method: clinical testing. Allele origin: germline. Affected: yes.
Comment: Has not been previously published as pathogenic or benign to our knowledge; In silico analysis supports that this missense variant has a deleterious effect on protein structure/function

Fulgent Genetics
Classification: Uncertain significance for Progressive familial heart block type IB; Erythrokeratodermia variabilis et progressiva 6. Last evaluated: 2021-07-05. Review status: criteria provided, single submitter. Criteria: ACMG Guidelines, 2015. Collection method: clinical testing. Allele origin: unknown.

Literature cited by the submitters: PubMed 30615648 (cited by Ambry Genetics).